The following is an entry in ClinVar:

ClinVar aggregate classification (germline): Benign/Likely benign. Review status: criteria provided, multiple submitters, no conflicts (2 of 4 stars). 4 submissions from 4 submitters: Benign (1); Likely benign (3). Last evaluated 2025-12-29.

Conditions:
Jeune thoracic dystrophy. Also called: Jeune syndrome; Infantile thoracic dystrophy; Thoracic pelvic phalangeal dystrophy; Jeune's syndrome; Chondroectodermal dysplasia-like syndrome; Short-rib thoracic dysplasia. Identifiers: Orphanet 474, MedGen C0265275, MONDO:0018770.
Asphyxiating thoracic dystrophy 3. Also called: Short rib polydactyly syndrome 2B; SHORT-RIB THORACIC DYSPLASIA 3 WITH OR WITHOUT POLYDACTYLY; POLYDACTYLY WITH NEONATAL CHONDRODYSTROPHY, TYPE I; SHORT-RIB THORACIC DYSPLASIA 3/6 WITH POLYDACTYLY, DIGENIC; Saldino-Noonan Syndrome. Identifiers: Orphanet 474, Orphanet 93269, Orphanet 93270, Orphanet 93271, MedGen C0036069, MONDO:0013127, OMIM 613091.

Allele frequency attached by ClinVar (database versions not stated): gnomAD exomes 0.00006 and 0.00013; ExAC 0.00021; ESP Exome Variant Server 0.00034; TOPMed 0.00042; gnomAD 0.00062 and 0.00063; 1000 Genomes Project 0.00120; 1000 Genomes Project 30x 0.00172.
gnomAD v4.1: 176 of 1,498,262 alleles (0.012%); highest among the groups gnomAD compares: African/African-American, 0.22%; no homozygotes.

Submissions (4):

Labcorp Genetics (formerly Invitae), Labcorp
Classification: Benign for Jeune thoracic dystrophy. Last evaluated: 2025-12-29. Review status: criteria provided, single submitter. Criteria: Invitae Variant Classification Sherloc (09022015). Collection method: clinical testing. Allele origin: germline.

Blueprint Genetics
Classification: Likely benign. Last evaluated: 2024-03-26. Review status: criteria provided, single submitter. Criteria: ACMG Guidelines, 2015. Collection method: clinical testing. Allele origin: germline.

ARUP Laboratories, Molecular Genetics and Genomics, ARUP Laboratories
Classification: Likely benign for Asphyxiating thoracic dystrophy 3. Last evaluated: 2020-04-02. Review status: criteria provided, single submitter. Criteria: ARUP Molecular Germline Variant Investigation Process. Collection method: clinical testing. Allele origin: germline.

GeneDx
Classification: Likely benign. Last evaluated: 2016-06-09. Review status: criteria provided, single submitter. Criteria: GeneDx Variant Classification (06012015). Collection method: clinical testing. Allele origin: germline. Affected: yes.
Comment: This variant is considered likely benign or benign based on one or more of the following criteria: it is a conservative change, it occurs at a poorly conserved position in the protein, it is predicted to be benign by multiple in silico algorithms, and/or has population frequency not consistent with disease.

NM_001377.3(DYNC2H1):c.7708+9A>G

Gene: DYNC2H1 (dynein cytoplasmic 2 heavy chain 1; plus strand). Cytogenetic location: 11q22.3.
Variant type: single nucleotide variant.
Coding change: c.7708+9A>G on transcript NM_001377.3 (MANE Select); 9 bases into the intron after coding-DNA position 7708, A replaced by G.
Molecular consequence: intron variant.
Genome position (GRCh38, 1-based): chr11:103,192,273, A>G. VCF-style: chr11-103192273-A-G. GRCh37 (hg19) VCF-style: chr11-103063002-A-G.
Other names: c.7708+9A>G (NM_001080463.2).
Identifiers: ClinVar variation 386822 (VCV000386822.14), dbSNP rs375081757, ClinGen allele CA6254301.